The following is an entry in ClinVar:

NM_000435.3(NOTCH3):c.137G>A (p.Gly46Glu)

Gene: NOTCH3 (notch receptor 3; minus strand). Cytogenetic location: 19p13.12.
Variant type: single nucleotide variant.
Coding change: c.137G>A on transcript NM_000435.3 (MANE Select); coding-DNA position 137, G replaced by A.
Protein change: p.Gly46Glu; replaces glycine 46 with glutamic acid.
Molecular consequence: missense variant.
Genome position (GRCh38, 1-based): chr19:15,197,560, C>T on the plus strand (G>A on the coding strand, the complement: NOTCH3 is on the minus strand). VCF-style: chr19-15197560-C-T. GRCh37 (hg19) VCF-style: chr19-15308371-C-T.
Other names: short protein forms G46E.
Identifiers: ClinVar variation 4529552 (VCV004529552.2).

ClinVar aggregate classification (germline): Uncertain significance. Review status: criteria provided, multiple submitters, no conflicts (2 of 4 stars). 2 submissions from 2 submitters: Uncertain significance (2). Last evaluated 2025-11-10.

gnomAD v4.1: 13 of 1,611,104 alleles (0.00081%); highest among the groups gnomAD compares: African/African-American, 0.0013%; no homozygotes.

Submissions (2):

Women's Health and Genetics/Laboratory Corporation of America, LabCorp
Classification: Uncertain significance. Last evaluated: 2025-11-10. Review status: criteria provided, single submitter. Criteria: LabCorp Variant Classification Summary - May 2015. Collection method: clinical testing. Allele origin: germline.
Comment: Variant summary: NOTCH3 c.137G>A (p.Gly46Glu) results in a non-conservative amino acid change in the encoded protein sequence. Algorithms developed to predict the effect of missense changes on protein structure and function are either unavailable or do not agree on the potential impact of this missense change. The variant was absent in 244754 control chromosomes. The available data on variant occurrences in the general population are insufficient to allow any conclusion about variant significance. To our knowledge, no occurrence of c.137G>A in individuals affected with NOTCH3-related conditions and no experimental evidence demonstrating its impact on protein function have been reported. No submitters have cited clinical-significance assessments for this variant to ClinVar. Based on the evidence outlined above, the variant was classified as uncertain significance.

GeneDx
Classification: Uncertain significance. Last evaluated: 2025-05-14. Review status: criteria provided, single submitter. Criteria: GeneDx Variant Classification Process June 2021. Collection method: clinical testing. Allele origin: germline. Affected: yes.
Comment: Not observed at significant frequency in large population cohorts (gnomAD); In silico analysis suggests that this missense variant does not alter protein structure/function; Has not been previously published as pathogenic or benign to our knowledge